The following is an entry in ClinVar:

ClinVar aggregate classification (germline): Uncertain significance (1 of 4 stars; one submission).

Submission:

GeneDx
Classification: Uncertain significance. Last evaluated: 2022-11-17. Review status: criteria provided, single submitter. Criteria: GeneDx Variant Classification Process June 2021. Collection method: clinical testing. Allele origin: germline. Affected: yes.
Comment: Not observed at significant frequency in large population cohorts (gnomAD); Missense variant in a gene in which most reported pathogenic variants are truncating/loss of function; Has not been previously published as pathogenic or benign to our knowledge

NM_001267550.2(TTN):c.68186G>T (p.Gly22729Val)

Genes: TTN (titin; minus strand), TTN-AS1 (TTN antisense RNA 1; plus strand), LOC126806423 (CDK7 strongly-dependent group 2 enhancer GRCh37_chr2:179443309-179444508; plus strand). Cytogenetic location: 2q31.2.
Variant type: single nucleotide variant.
Coding change: c.68186G>T on transcript NM_001267550.2 (MANE Select); coding-DNA position 68186, G replaced by T.
Protein change: p.Gly22729Val; replaces glycine 22729 with valine.
Molecular consequence: missense variant.
Genome position (GRCh38, 1-based): chr2:178,578,844, C>A on the plus strand (G>T on the coding strand, the complement: TTN is on the minus strand). VCF-style: chr2-178578844-C-A. GRCh37 (hg19) VCF-style: chr2-179443571-C-A.
Other names: c.63263G>T, p.Gly21088Val (NM_001256850.1); c.40991G>T, p.Gly13664Val (NM_003319.4); c.60482G>T, p.Gly20161Val (NM_133378.4); c.41366G>T, p.Gly13789Val (NM_133432.3); c.41567G>T, p.Gly13856Val (NM_133437.4); short protein forms G13664V, G13789V, G13856V, G20161V, G21088V, G22729V.
Identifiers: ClinVar variation 2502730 (VCV002502730.1), dbSNP rs2468857488, ClinGen allele CA349421219.